The following is an entry in ClinVar:

ClinVar aggregate classification (germline): Pathogenic (1 of 4 stars; one submission).

Conditions:
Senior-Loken syndrome 8 (SLSN8). Identifiers: Orphanet 3156, MedGen C4225376, MONDO:0014579, OMIM 616307.
Asphyxiating thoracic dystrophy 5 (SRTD5). Also called: SHORT-RIB THORACIC DYSPLASIA 5 WITH OR WITHOUT POLYDACTYLY; SHORT-RIB THORACIC DYSPLASIA 5 WITHOUT POLYDACTYLY. Identifiers: Orphanet 474, MedGen C3280598, MONDO:0013717, OMIM 614376.

Submission:

Labcorp Genetics (formerly Invitae), Labcorp
Classification: Pathogenic for Senior-Loken syndrome 8; Asphyxiating thoracic dystrophy 5. Last evaluated: 2022-11-24. Review status: criteria provided, single submitter. Criteria: Invitae Variant Classification Sherloc (09022015). Collection method: clinical testing. Allele origin: unknown.
Comment: For these reasons, this variant has been classified as Pathogenic. A similar copy number variant has been observed in individual(s) with clinical features of WDR19-related conditions (PMID: 29121203). This variant is a gross deletion of the genomic region encompassing exon(s) 1-4 of the WDR19 gene, which includes the initiator codon. This deletion extends beyond the assayed region for this gene and therefore may encompass additional genes. It is expected to result in an absent or disrupted protein product. Loss-of-function variants in WDR19 are known to be pathogenic (PMID: 22019273, 23559409, 23683095, 26275793, 27241786, 29068549).

Literature cited by the submitters: PubMed 29121203; PubMed 22019273; PubMed 23559409; PubMed 23683095; PubMed 26275793; PubMed 27241786; PubMed 29068549.

NC_000004.11:g.(?_39184178)_(39191421_?)del

Gene: WDR19 (WD repeat domain 19; plus strand). Cytogenetic location: 4p14.
Variant type: Deletion.
Identifiers: ClinVar variation 3246692 (VCV003246692.1).